The following is an entry in ClinVar:

ClinVar aggregate classification (germline): Benign. Review status: criteria provided, multiple submitters, no conflicts (2 of 4 stars). 4 submissions from 4 submitters: Benign (3). 1 of the submissions does not count toward it. Last evaluated 2026-01-25.

Conditions:
EXPH5-related disorder. Also called: EXPH5-related condition.

Allele frequency attached by ClinVar (database versions not stated): 1000 Genomes Project 0.02117; gnomAD 0.02283 and 0.02490; 1000 Genomes Project 30x 0.02389; TOPMed 0.02584; ESP Exome Variant Server 0.02770.

Submissions (4):

Labcorp Genetics (formerly Invitae), Labcorp
Classification: Benign. Last evaluated: 2026-01-25. Review status: criteria provided, single submitter. Criteria: Invitae Variant Classification Sherloc (09022015). Collection method: clinical testing. Allele origin: germline.

GeneDx
Classification: Benign. Last evaluated: 2021-05-05. Review status: criteria provided, single submitter. Criteria: GeneDx Variant Classification Process June 2021. Collection method: clinical testing. Allele origin: germline. Affected: yes.

Breakthrough Genomics
Classification: Benign. Review status: criteria provided, single submitter. Criteria: ACMG Guidelines, 2015. Collection method: not provided. Allele origin: germline. Inheritance: Autosomal recessive inheritance. Affected: yes.

PreventionGenetics, part of Exact Sciences
Classification: Benign for EXPH5-related condition. Last evaluated: 2023-12-19. Review status: no assertion criteria provided. Collection method: clinical testing. Allele origin: germline. Not counted in ClinVar's aggregate classification.
Comment: This variant is classified as benign based on ACMG/AMP sequence variant interpretation guidelines (Richards et al. 2015 PMID: 25741868, with internal and published modifications).

NM_015065.3(EXPH5):c.5116G>A (p.Val1706Ile)

Gene: EXPH5 (exophilin 5; minus strand). Cytogenetic location: 11q22.3.
Variant type: single nucleotide variant.
Coding change: c.5116G>A on transcript NM_015065.3 (MANE Select); coding-DNA position 5116, G replaced by A.
Protein change: p.Val1706Ile; replaces valine 1706 with isoleucine.
Molecular consequence: missense variant.
Genome position (GRCh38, 1-based): chr11:108,510,391, C>T on the plus strand (G>A on the coding strand, the complement: EXPH5 is on the minus strand). VCF-style: chr11-108510391-C-T. GRCh37 (hg19) VCF-style: chr11-108381118-C-T.
Other names: c.4888G>A, p.Val1630Ile (NM_001144763.2); c.4648G>A, p.Val1550Ile (NM_001144764.2); c.4552G>A, p.Val1518Ile (NM_001144765.2); c.5095G>A, p.Val1699Ile (NM_001308019.2); short protein forms V1518I, V1706I, V1550I, V1630I, V1699I.
Identifiers: ClinVar variation 710014 (VCV000710014.14), dbSNP rs36022102, ClinGen allele CA6267398.
Genomic context (GRCh38, chr11:108,510,391, plus strand): 5'-CTAAATTCTGAGCTGCTGTGACGTCTTTAGAATTCTCATGCTTTGATGGTGATTCTGAGA[C>T]GTTTTTAAACTCATTCTGATGTCGTTGTGAAATGCTGTTAGACTTCTGGTTGCTGACGTG-3'
Protein context (NP_055880.2, residues 1696-1716): SQRHQNEFKN[Val1706Ile]SESPSKHENS